The following is an entry in ClinVar:

ClinVar aggregate classification (germline): Uncertain significance (1 of 4 stars; one submission).

Submission:

Labcorp Genetics (formerly Invitae), Labcorp
Classification: Uncertain significance. Last evaluated: 2023-12-02. Review status: criteria provided, single submitter. Criteria: Invitae Variant Classification Sherloc (09022015). Collection method: clinical testing. Allele origin: germline.
Comment: This sequence change replaces proline, which is neutral and non-polar, with leucine, which is neutral and non-polar, at codon 83 of the C15orf41 protein (p.Pro83Leu). This variant is not present in population databases (gnomAD no frequency). This variant has not been reported in the literature in individuals affected with C15orf41-related conditions. Advanced modeling of protein sequence and biophysical properties (such as structural, functional, and spatial information, amino acid conservation, physicochemical variation, residue mobility, and thermodynamic stability) performed at Invitae indicates that this missense variant is not expected to disrupt C15orf41 protein function with a negative predictive value of 80%. In summary, the available evidence is currently insufficient to determine the role of this variant in disease. Therefore, it has been classified as a Variant of Uncertain Significance.

NM_001321759.2(CDIN1):c.248C>T (p.Pro83Leu)

Gene: CDIN1 (CDAN1 interacting nuclease 1; plus strand). Cytogenetic location: 15q14.
Variant type: single nucleotide variant.
Coding change: c.248C>T on transcript NM_001321759.2 (MANE Select); coding-DNA position 248, C replaced by T.
Protein change: p.Pro83Leu; replaces proline 83 with leucine.
Molecular consequence: missense variant. On other transcripts: 5 prime UTR variant (4).
Genome position (GRCh38, 1-based): chr15:36,654,133, C>T. VCF-style: chr15-36654133-C-T. GRCh37 (hg19) VCF-style: chr15-36946334-C-T.
Other names: c.248C>T, p.Pro83Leu (NM_001290233.2, NM_001321760.2, NM_001321761.2 and 1 more transcripts); c.-47C>T (NM_001321756.2, NM_032499.6, NM_001290232.2); c.-156C>T (NM_001321757.2); c.137C>T, p.Pro46Leu (NM_001321758.2); short protein forms P46L, P83L.
Identifiers: ClinVar variation 2767299 (VCV002767299.3), dbSNP rs754302439, ClinGen allele CA7468771.